The following is an entry in ClinVar:

NM_000222.3(KIT):c.1990+5A>G

Gene: KIT (KIT proto-oncogene, receptor tyrosine kinase; plus strand). Cytogenetic location: 4q12.
Variant type: single nucleotide variant.
Coding change: c.1990+5A>G on transcript NM_000222.3 (MANE Select); 5 bases into the intron after coding-DNA position 1990, A replaced by G.
Molecular consequence: intron variant.
Genome position (GRCh38, 1-based): chr4:54,728,126, A>G. VCF-style: chr4-54728126-A-G. GRCh37 (hg19) VCF-style: chr4-55594292-A-G.
Other names: c.1993+5A>G (NM_001385284.1, NM_001385290.1); c.1981+5A>G (NM_001385288.1, NM_001385292.1); c.1990+5A>G (NM_001385285.1); c.1978+5A>G (NM_001093772.2, NM_001385286.1).
Identifiers: ClinVar variation 4875996 (VCV004875996.1).

ClinVar aggregate classification (germline): Likely benign (1 of 4 stars; one submission).

Conditions:
Gastrointestinal stromal tumor. Also called: Gastrointestinal stromal tumor, somatic; Gastrointestinal stroma tumor. Identifiers: Orphanet 44890, MedGen C0238198, MeSH D046152, MONDO:0011719, OMIM 606764, HP:0100723.

gnomAD v4.1: 1 of 1,592,574 alleles (0.000063%); highest among the groups gnomAD compares: Middle Eastern, 0.017%; no homozygotes.

Submission:

Myriad Genetics, Inc.
Classification: Likely benign for Gastrointestinal stromal tumor. Last evaluated: 2026-05-28. Review status: criteria provided, single submitter. Criteria: Myriad Autosomal Dominant, Autosomal Recessive and X-Linked Classification Criteria (2023). Collection method: clinical testing. Allele origin: unknown.
Comment: This variant is considered likely benign. This variant is intronic and is not expected to impact mRNA splicing.